The following is an entry in ClinVar:

ClinVar aggregate classification (germline): Likely benign. Review status: criteria provided, multiple submitters, no conflicts (2 of 4 stars). 2 submissions from 2 submitters: Likely benign (2). Last evaluated 2024-01-01.

Allele frequency attached by ClinVar (database versions not stated): gnomAD exomes below 0.00001; TOPMed below 0.00001; gnomAD 0.00001.
gnomAD v4.1: 2 of 1,550,110 alleles (0.00013%); highest among the groups gnomAD compares: Non-Finnish European, 0.00017%; no homozygotes.

Submissions (2):

Labcorp Genetics (formerly Invitae), Labcorp
Classification: Likely benign. Last evaluated: 2024-01-01. Review status: criteria provided, single submitter. Criteria: Invitae Variant Classification Sherloc (09022015). Collection method: clinical testing. Allele origin: germline.

GeneDx
Classification: Likely benign. Last evaluated: 2017-02-10. Review status: criteria provided, single submitter. Criteria: GeneDx Variant Classification (06012015). Collection method: clinical testing. Allele origin: germline. Affected: yes.
Comment: This variant is considered likely benign or benign based on one or more of the following criteria: it is a conservative change, it occurs at a poorly conserved position in the protein, it is predicted to be benign by multiple in silico algorithms, and/or has population frequency not consistent with disease.

NM_001367624.2(ZNF469):c.10860C>T (p.Phe3620=)

Gene: ZNF469 (zinc finger protein 469; plus strand). Cytogenetic location: 16q24.2.
Variant type: single nucleotide variant.
Coding change: c.10860C>T on transcript NM_001367624.2 (MANE Select); coding-DNA position 10860, C replaced by T.
Protein change: p.Phe3620=; no amino-acid change (phenylalanine 3620 retained).
Molecular consequence: synonymous variant.
Genome position (GRCh38, 1-based): chr16:88,438,330, C>T. VCF-style: chr16-88438330-C-T. GRCh37 (hg19) VCF-style: chr16-88504738-C-T.
Identifiers: ClinVar variation 507374 (VCV000507374.4), dbSNP rs1230771468, ClinGen allele CA497359280.